The following is an entry in ClinVar:

NM_152490.5(B3GALNT2):c.362-5C>G

Gene: B3GALNT2 (beta-1,3-N-acetylgalactosaminyltransferase 2; minus strand). Cytogenetic location: 1q42.3.
Variant type: single nucleotide variant.
Coding change: c.362-5C>G on transcript NM_152490.5 (MANE Select); 5 bases into the intron before coding-DNA position 362, C replaced by G.
Molecular consequence: intron variant.
Genome position (GRCh38, 1-based): chr1:235,484,520, G>C on the plus strand (C>G on the coding strand, the complement: B3GALNT2 is on the minus strand). VCF-style: chr1-235484520-G-C. GRCh37 (hg19) VCF-style: chr1-235647836-G-C.
Other names: c.485-5C>G (NM_001277155.3).
Identifiers: ClinVar variation 1966716 (VCV001966716.3), dbSNP rs894519627, ClinGen allele CA39578494.

ClinVar aggregate classification (germline): Uncertain significance. Review status: criteria provided, multiple submitters, no conflicts (2 of 4 stars). 2 submissions from 2 submitters: Uncertain significance (2). Last evaluated 2023-01-20.

Conditions:
Muscular dystrophy-dystroglycanopathy (congenital with brain and eye anomalies), type a, 11 (MDDGA11). Also called: Muscular dystrophy-dystroglycanopathy (congenital with brain and eye anomalies, type A, 11; Congenital muscular dystrophy-dystroglycanopathy with brain and eye anomalies, type A11; WALKER-WARBURG SYNDROME OR MUSCLE-EYE-BRAIN DISEASE, B3GALNT2-RELATED. Identifiers: Orphanet 588, Orphanet 899, MedGen C3554638, MONDO:0014071, OMIM 615181.

Allele frequency attached by ClinVar (database versions not stated): TOPMed below 0.00001; gnomAD exomes 0.00002.
gnomAD v4.1: 27 of 1,613,778 alleles (0.0017%); highest among the groups gnomAD compares: Non-Finnish European, 0.0022%; no homozygotes.

Submissions (2):

Department of Pathology and Laboratory Medicine, Sinai Health System
Classification: Uncertain significance for Muscular dystrophy-dystroglycanopathy (congenital with brain and eye anomalies), type a, 11. Last evaluated: 2023-01-20. Review status: criteria provided, single submitter. Criteria: ACMG Guidelines, 2015. Collection method: research. Allele origin: germline.

Labcorp Genetics (formerly Invitae), Labcorp
Classification: Uncertain significance for Muscular dystrophy-dystroglycanopathy (congenital with brain and eye anomalies), type a, 11. Last evaluated: 2022-03-21. Review status: criteria provided, single submitter. Criteria: Invitae Variant Classification Sherloc (09022015). Collection method: clinical testing. Allele origin: germline.
Comment: This sequence change falls in intron 3 of the B3GALNT2 gene. It does not directly change the encoded amino acid sequence of the B3GALNT2 protein. This variant is present in population databases (no rsID available, gnomAD 0.002%). This variant has not been reported in the literature in individuals affected with B3GALNT2-related conditions. Algorithms developed to predict the effect of sequence changes on RNA splicing suggest that this variant may disrupt the consensus splice site. In summary, the available evidence is currently insufficient to determine the role of this variant in disease. Therefore, it has been classified as a Variant of Uncertain Significance.